The following is an entry in ClinVar:

ClinVar aggregate classification (germline): Uncertain significance (1 of 4 stars; one submission).

gnomAD v4.1: 1 of 1,613,550 alleles (0.000062%); highest among the groups gnomAD compares: Non-Finnish European, 0.000085%; no homozygotes.

Submission:

Mayo Clinic Laboratories, Mayo Clinic
Classification: Uncertain significance. Last evaluated: 2025-10-30. Review status: criteria provided, single submitter. Criteria: ACMG Guidelines, 2015. Collection method: clinical testing. Allele origin: germline. Observed: 1 variant allele.
Comment: BP4_moderate

NM_001365276.2(TNXB):c.6412G>T (p.Val2138Leu)

Gene: TNXB (tenascin XB; minus strand). Cytogenetic location: 6p21.33.
Variant type: single nucleotide variant.
Coding change: c.6412G>T on transcript NM_001365276.2 (MANE Select); coding-DNA position 6412, G replaced by T.
Protein change: p.Val2138Leu; replaces valine 2138 with leucine.
Molecular consequence: missense variant.
Genome position (GRCh38, 1-based): chr6:32,067,793, C>A on the plus strand (G>T on the coding strand, the complement: TNXB is on the minus strand). VCF-style: chr6-32067793-C-A. GRCh37 (hg19) VCF-style: chr6-32035570-C-A.
Other names: p.Val2138Leu; c.7153G>T, p.Val2385Leu (NM_001428335.1); c.6412G>T, p.Val2138Leu (NM_019105.8); short protein forms V2138L, V2385L.
Identifiers: ClinVar variation 4541141 (VCV004541141.1).